The following is an entry in ClinVar:

NC_000015.9:g.(?_100794321)_(100802660_?)dup

Gene: ADAMTS17 (ADAM metallopeptidase with thrombospondin type 1 motif 17; minus strand). Cytogenetic location: 15q26.3.
Variant type: Duplication.
Identifiers: ClinVar variation 2427279 (VCV002427279.4).

ClinVar aggregate classification (germline): Likely pathogenic (1 of 4 stars; one submission).

Submission:

Labcorp Genetics (formerly Invitae), Labcorp
Classification: Likely pathogenic. Last evaluated: 2022-01-05. Review status: criteria provided, single submitter. Criteria: Invitae Variant Classification Sherloc (09022015). Collection method: clinical testing. Allele origin: germline.
Comment: This variant results in a copy number gain of the genomic region encompassing exon(s) 5-7 of the ADAMTS17 gene. While the exact position of this variant cannot be determined from the data, sub-genic copy number gains are generally in tandem (PMID: 25640679). This variant is predicted to be out-of-frame, and may result in an absent or disrupted protein product. Loss-of-function variants in ADAMTS17 are known to be pathogenic (PMID: 19836009, 24940034). This variant has not been reported in the literature in individuals affected with ADAMTS17-related conditions. In summary, the currently available evidence indicates that the variant is pathogenic, but additional data are needed to prove that conclusively. Therefore, this variant has been classified as Likely Pathogenic.

Literature cited by the submitters: PubMed 25640679; PubMed 19836009; PubMed 24940034.